The following is an entry in ClinVar:

NM_001039591.3(USP9X):c.783A>G (p.Gln261=)

Gene: USP9X (ubiquitin specific peptidase 9 X-linked; plus strand). Cytogenetic location: Xp11.4.
Variant type: single nucleotide variant.
Coding change: c.783A>G on transcript NM_001039591.3 (MANE Select); coding-DNA position 783, A replaced by G.
Protein change: p.Gln261=; no amino-acid change (glutamine 261 retained).
Molecular consequence: synonymous variant.
Genome position (GRCh38, 1-based): chrX:41,140,978, A>G. VCF-style: chrX-41140978-A-G. GRCh37 (hg19) VCF-style: chrX-41000231-A-G.
Other names: c.783A>G (NM_001039590.2); c.783A>G, p.Gln261= (NM_001039590.3, NM_001410748.1, NM_001410749.1).
Identifiers: ClinVar variation 2203467 (VCV002203467.6), dbSNP rs756692872, ClinGen allele CA329013588.

ClinVar aggregate classification (germline): Benign. Review status: criteria provided, single submitter (1 of 4 stars). 2 submissions from 2 submitters: Benign (1). 1 of the submissions does not count toward it. Last evaluated 2024-03-27.

Conditions:
USP9X-related disorder. Also called: USP9X-related condition.

Allele frequency attached by ClinVar (database versions not stated): gnomAD 0.00006; TOPMed 0.00006; gnomAD exomes 0.00011.
gnomAD v4.1: 117 of 1,182,793 alleles (0.0099%); highest among the groups gnomAD compares: Non-Finnish European, 0.013%; no homozygotes.

Submissions (2):

Labcorp Genetics (formerly Invitae), Labcorp
Classification: Benign. Last evaluated: 2024-03-27. Review status: criteria provided, single submitter. Criteria: Invitae Variant Classification Sherloc (09022015). Collection method: clinical testing. Allele origin: germline.

PreventionGenetics, part of Exact Sciences
Classification: Likely benign for USP9X-related condition. Last evaluated: 2020-01-07. Review status: no assertion criteria provided. Collection method: clinical testing. Allele origin: germline. Not counted in ClinVar's aggregate classification.
Comment: This variant is classified as likely benign based on ACMG/AMP sequence variant interpretation guidelines (Richards et al. 2015 PMID: 25741868, with internal and published modifications).